The following is an entry in ClinVar:

ClinVar aggregate classification (germline): Uncertain significance. Review status: criteria provided, multiple submitters, no conflicts (2 of 4 stars). 2 submissions from 2 submitters: Uncertain significance (2). Last evaluated 2025-10-15.

Conditions:
Tuberous sclerosis 2 (TSC2). Identifiers: Orphanet 805, MedGen C1860707, MONDO:0013199, OMIM 613254.
Hereditary cancer-predisposing syndrome. Also called: Hereditary Cancer Syndrome; Hereditary neoplastic syndrome; Neoplastic Syndromes, Hereditary; Tumor predisposition. Identifiers: Orphanet 140162, MedGen C0027672, MeSH D009386, MONDO:0015356.

Submissions (2):

Ambry Genetics
Classification: Uncertain significance for Hereditary cancer-predisposing syndrome. Last evaluated: 2025-10-15. Review status: criteria provided, single submitter. Criteria: Ambry Variant Classification Scheme 2023. Collection method: clinical testing. Allele origin: germline.
Comment: The p.P1263A variant (also known as c.3787C>G), located in coding exon 30 of the TSC2 gene, results from a C to G substitution at nucleotide position 3787. The proline at codon 1263 is replaced by alanine, an amino acid with highly similar properties. This amino acid position is conserved. In addition, the in silico prediction for this alteration is inconclusive. Based on the available evidence, the clinical significance of this variant remains unclear.

Labcorp Genetics (formerly Invitae), Labcorp
Classification: Uncertain significance for Tuberous sclerosis 2. Last evaluated: 2024-04-20. Review status: criteria provided, single submitter. Criteria: Invitae Variant Classification Sherloc (09022015). Collection method: clinical testing. Allele origin: germline.
Comment: This sequence change replaces proline, which is neutral and non-polar, with alanine, which is neutral and non-polar, at codon 1263 of the TSC2 protein (p.Pro1263Ala). This variant is not present in population databases (gnomAD no frequency). This variant has not been reported in the literature in individuals affected with TSC2-related conditions. Advanced modeling of protein sequence and biophysical properties (such as structural, functional, and spatial information, amino acid conservation, physicochemical variation, residue mobility, and thermodynamic stability) performed at Invitae indicates that this missense variant is not expected to disrupt TSC2 protein function with a negative predictive value of 95%. In summary, the available evidence is currently insufficient to determine the role of this variant in disease. Therefore, it has been classified as a Variant of Uncertain Significance.

NM_000548.5(TSC2):c.3787C>G (p.Pro1263Ala)

Gene: TSC2 (TSC complex subunit 2; plus strand). Cytogenetic location: 16p13.3.
Variant type: single nucleotide variant.
Coding change: c.3787C>G on transcript NM_000548.5 (MANE Select); coding-DNA position 3787, C replaced by G.
Protein change: p.Pro1263Ala; replaces proline 1263 with alanine.
Molecular consequence: missense variant. On other transcripts: non-coding transcript variant (5).
Genome position (GRCh38, 1-based): chr16:2,081,771, C>G. VCF-style: chr16-2081771-C-G. GRCh37 (hg19) VCF-style: chr16-2131772-C-G.
Other names: c.3655C>G, p.Pro1219Ala (NM_001077183.3, NM_001370404.1, NM_001406665.1); c.3787C>G, p.Pro1263Ala (NM_001114382.3); c.3547C>G, p.Pro1183Ala (NM_001318827.2); c.3511C>G, p.Pro1171Ala (NM_001318829.2); c.3055C>G, p.Pro1019Ala (NM_001318831.2, NM_001406687.1, NM_001406688.1); c.3688C>G, p.Pro1230Ala (NM_001318832.2); c.3658C>G, p.Pro1220Ala (NM_001363528.2, NM_001370405.1, NM_021055.3); c.3784C>G, p.Pro1262Ala (NM_001406663.1, NM_001406664.1); and 18 more; short protein forms P1019A, P1170A, P1250A, P771A, P1062A, P1063A, P1066A, P1183A.
Identifiers: ClinVar variation 3637224 (VCV003637224.3).